The following is an entry in ClinVar:

ClinVar aggregate classification (germline): Likely benign. Review status: criteria provided, multiple submitters, no conflicts (2 of 4 stars). 4 submissions from 4 submitters: Likely benign (4). Last evaluated 2024-02-16.

Conditions:
Hereditary cancer-predisposing syndrome. Also called: Neoplastic Syndromes, Hereditary; Hereditary Cancer Syndrome; Tumor predisposition; Hereditary neoplastic syndrome. Identifiers: Orphanet 140162, MedGen C0027672, MeSH D009386, MONDO:0015356.
Microcephaly, normal intelligence and immunodeficiency (NBS). Also called: Immunodeficiency, microcephaly with normal intelligence; BERLIN BREAKAGE SYNDROME; SEEMANOVA SYNDROME II; Ataxia telangiectasia variant V1; Nijmegen breakage syndrome; Microcephaly with normal intelligence immunodeficiency and lymphoreticular malignancies. Identifiers: Orphanet 647, MedGen C0398791, MONDO:0009623, OMIM 251260.

Allele frequency attached by ClinVar (database versions not stated): TOPMed 0.00001; gnomAD 0.00003 and 0.00004.

Submissions (4):

Labcorp Genetics (formerly Invitae), Labcorp
Classification: Likely benign for Microcephaly, normal intelligence and immunodeficiency. Last evaluated: 2024-02-16. Review status: criteria provided, single submitter. Criteria: Invitae Variant Classification Sherloc (09022015). Collection method: clinical testing. Allele origin: germline.

CeGaT Center for Human Genetics Tuebingen
Classification: Likely benign. Last evaluated: 2024-02-01. Review status: criteria provided, single submitter. Criteria: CeGaT Center For Human Genetics Tuebingen Variant Classification Criteria Version 2. Collection method: clinical testing. Allele origin: germline. Affected: yes. Observed: 1 variant allele.
Comment: NBN: BP4, BP7

Blueprint Genetics
Classification: Likely benign. Last evaluated: 2022-08-31. Review status: criteria provided, single submitter. Criteria: ACMG Guidelines, 2015. Collection method: clinical testing. Allele origin: germline.

Ambry Genetics
Classification: Likely benign for Hereditary cancer-predisposing syndrome. Last evaluated: 2015-05-22. Review status: criteria provided, single submitter. Criteria: Ambry Variant Classification Scheme 2023. Collection method: clinical testing. Allele origin: germline.

NM_002485.5(NBN):c.147T>G (p.Thr49=)

Gene: NBN (nibrin; minus strand). Cytogenetic location: 8q21.3.
Variant type: single nucleotide variant.
Coding change: c.147T>G on transcript NM_002485.5 (MANE Select); coding-DNA position 147, T replaced by G.
Protein change: p.Thr49=; no amino-acid change (threonine 49 retained).
Molecular consequence: synonymous variant. On other transcripts: 5 prime UTR variant (1).
Genome position (GRCh38, 1-based): chr8:89,982,746, A>C on the plus strand (T>G on the coding strand, the complement: NBN is on the minus strand). VCF-style: chr8-89982746-A-C. GRCh37 (hg19) VCF-style: chr8-90994974-A-C.
Other names: c.-150T>G (NM_001024688.3).
Identifiers: ClinVar variation 231983 (VCV000231983.37), dbSNP rs749206453, ClinGen allele CA10578810.